The following is an entry in ClinVar:

ClinVar aggregate classification (germline): Uncertain significance. Review status: criteria provided, multiple submitters, no conflicts (2 of 4 stars). 2 submissions from 2 submitters: Uncertain significance (2). Last evaluated 2025-04-06.

Conditions:
Hereditary cancer-predisposing syndrome. Also called: Neoplastic Syndromes, Hereditary; Tumor predisposition; Hereditary neoplastic syndrome; Hereditary Cancer Syndrome. Identifiers: Orphanet 140162, MedGen C0027672, MeSH D009386, MONDO:0015356.

gnomAD v4.1: 1 of 1,611,894 alleles (0.000062%); highest among the groups gnomAD compares: African/African-American, 0.0013%; no homozygotes.

Submissions (2):

Ambry Genetics
Classification: Uncertain significance for Hereditary cancer-predisposing syndrome. Last evaluated: 2025-04-06. Review status: criteria provided, single submitter. Criteria: Ambry Variant Classification Scheme 2023. Collection method: clinical testing. Allele origin: germline.
Comment: The p.G4R variant (also known as c.10G>C), located in coding exon 1 of the HOXB13 gene, results from a G to C substitution at nucleotide position 10. The glycine at codon 4 is replaced by arginine, an amino acid with dissimilar properties. This amino acid position is conserved. In addition, the in silico prediction for this alteration is inconclusive. Based on the available evidence, the clinical significance of this variant remains unclear.

Labcorp Genetics (formerly Invitae), Labcorp
Classification: Uncertain significance. Last evaluated: 2025-03-19. Review status: criteria provided, single submitter. Criteria: Invitae Variant Classification Sherloc (09022015). Collection method: clinical testing. Allele origin: germline.
Comment: This sequence change replaces glycine, which is neutral and non-polar, with arginine, which is basic and polar, at codon 4 of the HOXB13 protein (p.Gly4Arg). This variant is present in population databases (no rsID available, gnomAD 0.01%). This variant has not been reported in the literature in individuals affected with HOXB13-related conditions. An algorithm developed to predict the effect of missense changes on protein structure and function (PolyPhen-2) suggests that this variant is likely to be disruptive. In summary, the available evidence is currently insufficient to determine the role of this variant in disease. Therefore, it has been classified as a Variant of Uncertain Significance.

NM_006361.6(HOXB13):c.10G>C (p.Gly4Arg)

Gene: HOXB13 (homeobox B13; minus strand). Cytogenetic location: 17q21.32.
Variant type: single nucleotide variant.
Coding change: c.10G>C on transcript NM_006361.6 (MANE Select); coding-DNA position 10, G replaced by C.
Protein change: p.Gly4Arg; replaces glycine 4 with arginine.
Molecular consequence: missense variant.
Genome position (GRCh38, 1-based): chr17:48,728,584, C>G on the plus strand (G>C on the coding strand, the complement: HOXB13 is on the minus strand). VCF-style: chr17-48728584-C-G. GRCh37 (hg19) VCF-style: chr17-46805946-C-G.
Other names: short protein forms G4R.
Identifiers: ClinVar variation 4035950 (VCV004035950.2).